The following is an entry in ClinVar:

NM_018965.4(TREM2):c.514C>T (p.Pro172Ser)

Gene: TREM2 (triggering receptor expressed on myeloid cells 2; minus strand). Cytogenetic location: 6p21.1.
Variant type: single nucleotide variant.
Coding change: c.514C>T on transcript NM_018965.4 (MANE Select); coding-DNA position 514, C replaced by T.
Protein change: p.Pro172Ser; replaces proline 172 with serine.
Molecular consequence: missense variant. On other transcripts: intron variant (1).
Genome position (GRCh38, 1-based): chr6:41,159,035, G>A on the plus strand (C>T on the coding strand, the complement: TREM2 is on the minus strand). VCF-style: chr6-41159035-G-A. GRCh37 (hg19) VCF-style: chr6-41126773-G-A.
Other names: c.483-255C>T (NM_001271821.2); c.514C>T (NM_018965.2); short protein forms P172S.
Identifiers: ClinVar variation 522336 (VCV000522336.9), dbSNP rs781302866, ClinGen allele CA3798846.
Genomic context (GRCh38, chr6:41,159,035, plus strand): 5'-CGCTGGCTGCTAGAATCTTGATGAGAAAGATGCAGGCCAGGAGGAGAAGGATGGAAGTGG[G>A]TGGGAAGGGGATTTCTCCTTCCAAGAGGCTCCTTGGAGAGACAAGAAGGCAGATGGGAGC-3'
Protein context (NP_061838.1, residues 162-182): SLLEGEIPFP[Pro172Ser]TSILLLLACI

ClinVar aggregate classification (germline): Conflicting classifications of pathogenicity. Review status: criteria provided, conflicting classifications (1 of 4 stars). 5 submissions from 5 submitters: Uncertain significance (2); Likely benign (1). 2 of the submissions do not count toward it. Last evaluated 2025-08-13.

Conditions:
TREM2-related disorder. Also called: TREM2-related condition.
Inborn genetic diseases. Identifiers: MedGen C0950123, MeSH D030342.
Polycystic lipomembranous osteodysplasia with sclerosing leukoencephalopathy 1 (PLOSL1). Also called: TYROBP-Related Polycystic Lipomembranous Osteodysplasia with Sclerosing Leukoencephalopathy; TREM2-Related Polycystic Lipomembranous Osteodysplasia with Sclerosing Leukoencephalopathy. Identifiers: Orphanet 2770, MedGen C4721893, MONDO:0020749, OMIM 221770.

Allele frequency attached by ClinVar (database versions not stated): ExAC 0.00001; gnomAD exomes 0.00001 and 0.00002; gnomAD 0.00002 and 0.00003; TOPMed 0.00002.

Submissions (5):

Ambry Genetics
Classification: Uncertain significance for Inborn genetic diseases. Last evaluated: 2025-08-13. Review status: criteria provided, single submitter. Criteria: Ambry Variant Classification Scheme 2023. Collection method: clinical testing. Allele origin: germline.

Labcorp Genetics (formerly Invitae), Labcorp
Classification: Uncertain significance. Last evaluated: 2021-10-03. Review status: criteria provided, single submitter. Criteria: Invitae Variant Classification Sherloc (09022015). Collection method: clinical testing. Allele origin: germline.
Comment: This sequence change replaces proline with serine at codon 172 of the TREM2 protein (p.Pro172Ser). The proline residue is moderately conserved and there is a moderate physicochemical difference between proline and serine. This variant is present in population databases (rs781302866, ExAC 0.002%). This variant has not been reported in the literature in individuals affected with TREM2-related conditions. ClinVar contains an entry for this variant (Variation ID: 522336). Algorithms developed to predict the effect of missense changes on protein structure and function output the following: SIFT: "Tolerated"; PolyPhen-2: "Benign"; Align-GVGD: "Class C0". The serine amino acid residue is found in multiple mammalian species, which suggests that this missense change does not adversely affect protein function. In summary, the available evidence is currently insufficient to determine the role of this variant in disease. Therefore, it has been classified as a Variant of Uncertain Significance.

Clinical Genetics DNA and cytogenetics Diagnostics Lab, Erasmus MC, Erasmus Medical Center
Classification: Likely benign for Polycystic lipomembranous osteodysplasia with sclerosing leukoencephalopathy 1. Last evaluated: 2017-05-31. Review status: criteria provided, single submitter. Criteria: ACGS Guidelines, 2013. Collection method: clinical testing. Allele origin: germline. Affected: yes. Study: VKGL Data-share Consensus.

PreventionGenetics, part of Exact Sciences
Classification: Uncertain significance for TREM2-related condition. Last evaluated: 2023-12-26. Review status: no assertion criteria provided. Collection method: clinical testing. Allele origin: germline. Not counted in ClinVar's aggregate classification.
Comment: The TREM2 c.514C>T variant is predicted to result in the amino acid substitution p.Pro172Ser. To our knowledge, this variant has not been reported in the literature. This variant is reported in 0.0053% of alleles in individuals of European (Non-Finnish) descent in gnomAD. At this time, the clinical significance of this variant is uncertain due to the absence of conclusive functional and genetic evidence.

Genome Diagnostics Laboratory, Amsterdam University Medical Center
Classification: Likely benign for Polycystic lipomembranous osteodysplasia with sclerosing leukoencephalopathy 1. Last evaluated: 2016-03-22. Review status: no assertion criteria provided. Criteria: ACGS Guidelines, 2013. Collection method: clinical testing. Allele origin: germline. Affected: yes. Study: VKGL Data-share Consensus. Not counted in ClinVar's aggregate classification.